The following is an entry in ClinVar:

NM_001168465.2(MAP7D2):c.1555G>A (p.Glu519Lys)

Gene: MAP7D2 (MAP7 domain containing 2; minus strand). Cytogenetic location: Xp22.12.
Variant type: single nucleotide variant.
Coding change: c.1555G>A on transcript NM_001168465.2 (MANE Select); coding-DNA position 1555, G replaced by A.
Protein change: p.Glu519Lys; replaces glutamic acid 519 with lysine.
Molecular consequence: missense variant.
Genome position (GRCh38, 1-based): chrX:20,016,183, C>T on the plus strand (G>A on the coding strand, the complement: MAP7D2 is on the minus strand). VCF-style: chrX-20016183-C-T. GRCh37 (hg19) VCF-style: chrX-20034301-C-T.
Other names: c.1297G>A, p.Glu433Lys (NM_001168466.2); c.1276G>A, p.Glu426Lys (NM_001168467.2); c.1432G>A, p.Glu478Lys (NM_152780.4); short protein forms E433K, E426K, E478K, E519K.
Identifiers: ClinVar variation 4839449 (VCV004839449.1).

ClinVar aggregate classification (germline): Uncertain significance (1 of 4 stars; one submission).

gnomAD v4.1: 1 of 1,194,687 alleles (0.000084%); highest among the groups gnomAD compares: African/African-American, 0.0017%; no homozygotes.

Submission:

Ambry Genetics
Classification: Uncertain significance. Last evaluated: 2026-01-20. Review status: criteria provided, single submitter. Criteria: Ambry Variant Classification Scheme 2023. Collection method: clinical testing. Allele origin: germline.
Comment: The c.1555G>A (p.E519K) alteration is located in exon 11 (coding exon 11) of the MAP7D2 gene. This alteration results from a G to A substitution at nucleotide position 1555, causing the glutamic acid (E) at amino acid position 519 to be replaced by a lysine (K). Based on data from gnomAD, the A allele has an overall frequency of <0.001% (0/147126) total alleles studied. The highest observed frequency was <0.001% (/) of alleles. Based on insufficient or conflicting evidence, the clinical significance of this alteration remains unclear.